The following is an entry in ClinVar:

NM_001348323.3(TRIP12):c.2054_2055+1del

Gene: TRIP12 (thyroid hormone receptor interactor 12; minus strand). Cytogenetic location: 2q36.3.
Variant type: Microsatellite.
Coding change: c.2054_2055+1del on transcript NM_001348323.3 (MANE Select); coding-DNA position 2054 through the canonical splice donor site of the intron after coding-DNA position 2055, 3 bases deleted (AGG; older notation c.2054_2055+1delAGG).
Molecular consequence: splice donor variant.
Genome position (GRCh38, 1-based): chr2:229,811,135-229,811,137, CCT deleted on the plus strand (AGG on the coding strand, the reverse complement: TRIP12 is on the minus strand); deleting any 3 consecutive bases within chr2:229,811,135-229,811,141 gives the same sequence; the c. name uses the placement nearest the transcript's 3' end. VCF-style (leftmost placement, unchanged base first): chr2-229811134-ACCT-A. GRCh37 (hg19) VCF-style: chr2-230675850-ACCT-A.
Other names: c.1019_1020+1del (NM_001284216.2); c.1910_1911+1del (NM_004238.3); c.1928_1929+1del (NM_001348331.1, NM_001348317.1, NM_001284215.2 and 2 more transcripts); c.1967_1968+1del (NM_001348332.1); c.2054_2055+1del (NM_001284214.2, NM_001348319.1, NM_001348333.1 and 11 more transcripts).
Identifiers: ClinVar variation 4085905 (VCV004085905.8).
Genomic context (GRCh38, chr2:229,811,134, plus strand): 5'-TTACATCAAGATTCAGCAATTCAACAACCTCATAAAAATACTACCAAAGACTAAACACTT[ACCT>A]CCTCATGCTGGAAGTTGTCCACTAGGCGTGCAAAACAAAGGCAAGTGCTTTCTACTGACT-3'

ClinVar aggregate classification (germline): Uncertain significance (1 of 4 stars; one submission).

Submission:

CeGaT Center for Human Genetics Tuebingen
Classification: Uncertain significance. Last evaluated: 2025-08-01. Review status: criteria provided, single submitter. Criteria: CeGaT Center For Human Genetics Tuebingen Variant Classification Criteria Version 2. Collection method: clinical testing. Allele origin: germline. Affected: yes. Observed: 1 variant allele.
Comment: TRIP12: PM2, PM4:Supporting